The following is an entry in ClinVar:

ClinVar aggregate classification (germline): Conflicting classifications of pathogenicity. Review status: criteria provided, conflicting classifications (1 of 4 stars). 11 submissions from 11 submitters: Uncertain significance (7); Benign (1); Likely benign (2). 1 of the submissions does not count toward it. Last evaluated 2026-01-07.

Conditions:
Ullrich congenital muscular dystrophy 1A. Also called: Ullrich congenital muscular dystrophy 1; Intermediate COL6-RD. Identifiers: Orphanet 75840, MedGen C0410179, MONDO:0009681, OMIM 254090.
Bethlem myopathy 1A. Also called: MYOPATHY, BENIGN CONGENITAL, WITH CONTRACTURES; Bethlem myopathy 1; Bethlem Muscular Dystrophy. Identifiers: Orphanet 610, MedGen CN029274, MONDO:0024530, OMIM 158810.
COL6A1-related disorder. Also called: COL6A1-related condition.
Collagen 6-related myopathy. Identifiers: MedGen CN117976, MONDO:0100225.

Allele frequency attached by ClinVar (database versions not stated): 1000 Genomes Project 30x 0.00016; 1000 Genomes Project 0.00020; ExAC 0.00041; ESP Exome Variant Server 0.00046; gnomAD 0.00054 and 0.00057; gnomAD exomes 0.00055 and 0.00083; TOPMed 0.00062.

Submissions (11):

GeneDx
Classification: Uncertain significance. Last evaluated: 2026-01-07. Review status: criteria provided, single submitter. Criteria: GeneDx Variant Classification Process June 2021. Collection method: clinical testing. Allele origin: germline. Affected: yes.
Comment: Reported as a heterozygous variant of uncertain significance in an individual with limb-girdle muscular dystrophy in published literature (PMID: 30564623); In silico analysis supports that this missense variant has a deleterious effect on protein structure/function; This variant is associated with the following publications: (PMID: 30564623)

Labcorp Genetics (formerly Invitae), Labcorp
Classification: Likely benign for Bethlem myopathy 1A. Last evaluated: 2025-11-28. Review status: criteria provided, single submitter. Criteria: Invitae Variant Classification Sherloc (09022015). Collection method: clinical testing. Allele origin: germline.

PreventionGenetics, part of Exact Sciences
Classification: Uncertain significance for COL6A1-related condition. Last evaluated: 2024-11-05. Review status: criteria provided, single submitter. Criteria: ACMG Guidelines, 2015. Collection method: clinical testing. Allele origin: germline.
Comment: The COL6A1 c.202C>T variant is predicted to result in the amino acid substitution p.Arg68Cys. This variant has been reported as a variant of uncertain significance in a cohort of individuals with limb-girdle muscular dystrophy (Supplementary Table 7, Nallamilli et al. 2018. PubMed ID: 30564623). This variant is reported in 0.12% of alleles in individuals of Latino descent in gnomAD, which may be too common to be causative. Although we suspect that this variant may be benign, at this time, the clinical significance of this variant is uncertain due to the absence of conclusive functional and genetic evidence.

Blueprint Genetics
Classification: Uncertain significance. Last evaluated: 2024-10-23. Review status: criteria provided, single submitter. Criteria: ACMG Guidelines, 2015. Collection method: clinical testing. Allele origin: germline.

Revvity Omics, Revvity
Classification: Likely benign. Last evaluated: 2024-03-26. Review status: criteria provided, single submitter. Criteria: ACMG Guidelines, 2015. Collection method: clinical testing. Allele origin: germline.

CeGaT Center for Human Genetics Tuebingen
Classification: Uncertain significance. Last evaluated: 2020-10-01. Review status: criteria provided, single submitter. Criteria: CeGaT Center For Human Genetics Tuebingen Variant Classification Criteria Version 2. Collection method: clinical testing. Allele origin: germline. Affected: yes. Observed: 1 variant allele.

Fulgent Genetics
Classification: Uncertain significance for Bethlem myopathy 1A; Ullrich congenital muscular dystrophy 1A. Last evaluated: 2018-10-31. Review status: criteria provided, single submitter. Criteria: ACMG Guidelines, 2015. Collection method: clinical testing. Allele origin: unknown.

Eurofins Ntd Llc (ga)
Classification: Uncertain significance. Last evaluated: 2018-02-13. Review status: criteria provided, single submitter. Criteria: EGL ClinVar v180209 classification definitions. Collection method: clinical testing. Allele origin: germline. Observed: 9 variant alleles, 9 heterozygotes.

Illumina Laboratory Services, Illumina
Classification: Benign for Collagen VI-related myopathy. Last evaluated: 2018-01-12. Review status: criteria provided, single submitter. Criteria: ICSL Variant Classification Criteria 13 December 2019. Collection method: clinical testing. Allele origin: germline.
Comment: This variant was observed in the ICSL laboratory as part of a predisposition screen in an ostensibly healthy population. It had not been previously curated by ICSL or reported in the Human Gene Mutation Database (HGMD: prior to June 1st, 2018), and was therefore a candidate for classification through an automated scoring system. Utilizing variant allele frequency, disease prevalence and penetrance estimates, and inheritance mode, an automated score was calculated to assess if this variant is too frequent to cause the disease. Based on the score and internal cut-off values, a variant classified as benign is not then subjected to further curation. The score for this variant resulted in a classification of benign for this disease.

Genetic Services Laboratory, University of Chicago
Classification: Uncertain significance. Last evaluated: 2017-02-02. Review status: criteria provided, single submitter. Criteria: ACMG Guidelines, 2015. Collection method: clinical testing. Allele origin: germline. Affected: no.

NeuroMeGen, Hospital Clinico Santiago de Compostela
Classification: Likely pathogenic for Ullrich congenital muscular dystrophy 1A. Last evaluated: 2018-10-08. Review status: flagged submission. Criteria: ACMG Guidelines, 2015. Collection method: clinical testing. Allele origin: unknown. Affected: yes. Observed: 1 compound heterozygote. Not counted in ClinVar's aggregate classification.
ClinVar note: Reason: Outlier claim with insufficient supporting evidence

NM_001848.3(COL6A1):c.202C>T (p.Arg68Cys)

Gene: COL6A1 (collagen type VI alpha 1 chain; plus strand). Cytogenetic location: 21q22.3.
Variant type: single nucleotide variant.
Coding change: c.202C>T on transcript NM_001848.3 (MANE Select); coding-DNA position 202, C replaced by T.
Protein change: p.Arg68Cys; replaces arginine 68 with cysteine.
Molecular consequence: missense variant.
Genome position (GRCh38, 1-based): chr21:45,982,738, C>T. VCF-style: chr21-45982738-C-T. GRCh37 (hg19) VCF-style: chr21-47402652-C-T.
Other names: short protein forms R68C.
Identifiers: ClinVar variation 195150 (VCV000195150.67), dbSNP rs137964147, ClinGen allele CA241436.